The following is an entry in ClinVar:

NM_017570.5(OPLAH):c.1336_1337del (p.Ser446fs)

Gene: OPLAH (5-oxoprolinase, ATP-hydrolysing; minus strand). Cytogenetic location: 8q24.3.
Variant type: Deletion.
Coding change: c.1336_1337del on transcript NM_017570.5 (MANE Select); coding-DNA positions 1336 to 1337, 2 bases deleted (TC; older notation c.1336_1337delTC).
Protein change: p.Ser446fs; shifts the reading frame from serine 446.
Molecular consequence: frameshift variant.
Genome position (GRCh38, 1-based): chr8:144,057,533-144,057,534, GA deleted on the plus strand (TC on the coding strand, the reverse complement: OPLAH is on the minus strand); deleting any 2 consecutive bases within chr8:144,057,533-144,057,535 gives the same sequence; the c. name uses the placement nearest the transcript's 3' end. VCF-style (leftmost placement, unchanged base first): chr8-144057532-GGA-G. GRCh37 (hg19) VCF-style: chr8-145112435-GGA-G.
Other names: short protein forms S446fs.
Identifiers: ClinVar variation 4733188 (VCV004733188.1), dbSNP rs782628949.

ClinVar aggregate classification (germline): Pathogenic (1 of 4 stars; one submission).

Conditions:
5-Oxoprolinase deficiency (OPLAHD). Also called: 5-OXOPROLINURIA DUE TO 5-OXOPROLINASE DEFICIENCY. Identifiers: Orphanet 33572, MedGen C0268525, MONDO:0009825, OMIM 260005, HP:0040142.

Submission:

Labcorp Genetics (formerly Invitae), Labcorp
Classification: Pathogenic for 5-Oxoprolinase deficiency. Last evaluated: 2025-07-03. Review status: criteria provided, single submitter. Criteria: Invitae Variant Classification Sherloc (09022015). Collection method: clinical testing. Allele origin: germline.
Comment: This sequence change creates a premature translational stop signal (p.Ser446Profs*33) in the OPLAH gene. It is expected to result in an absent or disrupted protein product. Loss-of-function variants in OPLAH are known to be pathogenic (PMID: 21651516, 27477828). This variant is present in population databases (rs782628949, gnomAD 0.04%). This variant has not been reported in the literature in individuals affected with OPLAH-related conditions. For these reasons, this variant has been classified as Pathogenic.

Literature cited by the submitters: PubMed 21651516; PubMed 27477828.